The following is an entry in ClinVar:

NM_005045.4(RELN):c.5935G>A (p.Gly1979Ser)

Gene: RELN (reelin; minus strand). Cytogenetic location: 7q22.1.
Variant type: single nucleotide variant.
Coding change: c.5935G>A on transcript NM_005045.4 (MANE Select); coding-DNA position 5935, G replaced by A.
Protein change: p.Gly1979Ser; replaces glycine 1979 with serine.
Molecular consequence: missense variant.
Genome position (GRCh38, 1-based): chr7:103,553,694, C>T on the plus strand (G>A on the coding strand, the complement: RELN is on the minus strand). VCF-style: chr7-103553694-C-T. GRCh37 (hg19) VCF-style: chr7-103194141-C-T.
Other names: c.5935G>A, p.Gly1979Ser (NM_173054.3); c.5935G>A (NM_005045.3); short protein forms G1979S.
Identifiers: ClinVar variation 1043879 (VCV001043879.11), dbSNP rs139892362, ClinGen allele CA4421076.
Genomic context (GRCh38, chr7:103,553,694, plus strand): 5'-TTTATTTTTAGATTCTTAATACTTACGGTGCCCCCTTTGAAGAATATGGACAATAAAGAC[C>T]GATGTTACCACCAGGATAGAAAAACCAATTGTCTTCTCTGGGCCCAAAATCAAATGTATC-3'
Protein context (NP_005036.2, residues 1969-1989): NWFFYPGGNI[Gly1979Ser]LYCPYSSKGA

ClinVar aggregate classification (germline): Uncertain significance. Review status: criteria provided, multiple submitters, no conflicts (2 of 4 stars). 3 submissions from 3 submitters: Uncertain significance (3). Last evaluated 2026-01-12.

Conditions:
Inborn genetic diseases. Identifiers: MedGen C0950123, MeSH D030342.
Norman-Roberts syndrome (LIS2). Also called: Lissencephaly 2 (Norman-Roberts type). Identifiers: Orphanet 89844, MedGen C0796089, MONDO:0009760, OMIM 257320.
Familial temporal lobe epilepsy 7. Identifiers: Orphanet 101046, MedGen C4225327, MONDO:0014639, OMIM 616436.
Epilepsy. Also called: Seizure disorder. Identifiers: MedGen C0014544, MeSH D004827, MONDO:0005027.

Allele frequency attached by ClinVar (database versions not stated): gnomAD exomes 0.00003 and 0.00009; ESP Exome Variant Server 0.00008; ExAC 0.00002; TOPMed 0.00006; gnomAD 0.00008 and 0.00007.
gnomAD v4.1: 135 of 1,613,866 alleles (0.0084%); highest among the groups gnomAD compares: Non-Finnish European, 0.011%; no homozygotes.

Submissions (3):

Labcorp Genetics (formerly Invitae), Labcorp
Classification: Uncertain significance for Familial temporal lobe epilepsy 7; Norman-Roberts syndrome. Last evaluated: 2026-01-12. Review status: criteria provided, single submitter. Criteria: Invitae Variant Classification Sherloc (09022015). Collection method: clinical testing. Allele origin: germline.
Comment: This sequence change replaces glycine, which is neutral and non-polar, with serine, which is neutral and polar, at codon 1979 of the RELN protein (p.Gly1979Ser). This variant is present in population databases (rs139892362, gnomAD 0.006%). This variant has not been reported in the literature in individuals affected with RELN-related conditions. ClinVar contains an entry for this variant (Variation ID: 1043879). Invitae Evidence Modeling of protein sequence and biophysical properties (such as structural, functional, and spatial information, amino acid conservation, physicochemical variation, residue mobility, and thermodynamic stability) has been performed for this missense variant. However, the output from this modeling did not meet the statistical confidence thresholds required to predict the impact of this variant on RELN protein function. In summary, the available evidence is currently insufficient to determine the role of this variant in disease. Therefore, it has been classified as a Variant of Uncertain Significance.

Ambry Genetics
Classification: Uncertain significance for Inborn genetic diseases. Last evaluated: 2023-06-30. Review status: criteria provided, single submitter. Criteria: Ambry Variant Classification Scheme 2023. Collection method: clinical testing. Allele origin: germline.

Cambridge Genomics Laboratory, East Genomic Laboratory Hub, NHS Genomic Medicine Service
Classification: Uncertain significance for Epilepsy. Last evaluated: 2020-03-30. Review status: criteria provided, single submitter. Criteria: ACGS Best Practice Guidelines for Variant Classification in Rare Disease 2020. Collection method: clinical testing. Allele origin: germline. Affected: yes. Observed: 1 variant allele.